The following is an entry in ClinVar:

NM_004168.4(SDHA):c.1696C>G (p.Leu566Val)

Gene: SDHA (succinate dehydrogenase complex flavoprotein subunit A; plus strand). Cytogenetic location: 5p15.33.
Variant type: single nucleotide variant.
Coding change: c.1696C>G on transcript NM_004168.4 (MANE Select); coding-DNA position 1696, C replaced by G.
Protein change: p.Leu566Val; replaces leucine 566 with valine.
Molecular consequence: missense variant. On other transcripts: intron variant (1).
Genome position (GRCh38, 1-based): chr5:251,370, C>G. VCF-style: chr5-251370-C-G. GRCh37 (hg19) VCF-style: chr5-251485-C-G.
Other names: c.1552C>G, p.Leu518Val (NM_001294332.2); c.1552-3023C>G (NM_001330758.2); short protein forms L566V, L518V.
Identifiers: ClinVar variation 472350 (VCV000472350.16), dbSNP rs142936520, ClinGen allele CA112783565.

ClinVar aggregate classification (germline): Uncertain significance. Review status: criteria provided, multiple submitters, no conflicts (2 of 4 stars). 5 submissions from 5 submitters: Uncertain significance (5). Last evaluated 2025-03-12.

Conditions:
Mitochondrial complex II deficiency, nuclear type 1. Also called: SUCCINATE CoQ REDUCTASE DEFICIENCY. Identifiers: Orphanet 3208, MedGen C5700310, MONDO:0100294, OMIM 252011.
Pheochromocytoma/paraganglioma syndrome 5. Also called: Paragangliomas 5; SDHA-Related Hereditary Paraganglioma-Pheochromocytoma Syndrome. Identifiers: Orphanet 29072, MedGen C3279992, MONDO:0013602, OMIM 614165.
Dilated cardiomyopathy 1GG (CMD1GG). Identifiers: Orphanet 154, MedGen C3150898, MONDO:0013339, OMIM 613642.
Neurodegeneration with ataxia and late-onset optic atrophy. Identifiers: MedGen C5543254, MONDO:0031006, OMIM 619259.
Hereditary cancer-predisposing syndrome. Also called: Neoplastic Syndromes, Hereditary; Hereditary Cancer Syndrome; Hereditary neoplastic syndrome; Tumor predisposition. Identifiers: Orphanet 140162, MedGen C0027672, MeSH D009386, MONDO:0015356.

Allele frequency attached by ClinVar (database versions not stated): gnomAD exomes below 0.00001 and 0.00001; TOPMed below 0.00001; gnomAD 0.00001; ESP Exome Variant Server 0.00008.
gnomAD v4.1: 2 of 1,613,660 alleles (0.00012%); highest among the groups gnomAD compares: Non-Finnish European, 0.00017%; no homozygotes.

Submissions (5):

Labcorp Genetics (formerly Invitae), Labcorp
Classification: Uncertain significance for Pheochromocytoma/paraganglioma syndrome 5; Mitochondrial complex II deficiency, nuclear type 1. Last evaluated: 2025-03-12. Review status: criteria provided, single submitter. Criteria: Invitae Variant Classification Sherloc (09022015). Collection method: clinical testing. Allele origin: germline.
Comment: This sequence change replaces leucine, which is neutral and non-polar, with valine, which is neutral and non-polar, at codon 566 of the SDHA protein (p.Leu566Val). This variant is present in population databases (rs142936520, gnomAD 0.0009%). This variant has not been reported in the literature in individuals affected with SDHA-related conditions. ClinVar contains an entry for this variant (Variation ID: 472350). Invitae Evidence Modeling of protein sequence and biophysical properties (such as structural, functional, and spatial information, amino acid conservation, physicochemical variation, residue mobility, and thermodynamic stability) has been performed for this missense variant. However, the output from this modeling did not meet the statistical confidence thresholds required to predict the impact of this variant on SDHA protein function. In summary, the available evidence is currently insufficient to determine the role of this variant in disease. Therefore, it has been classified as a Variant of Uncertain Significance.

Quest Diagnostics Nichols Institute San Juan Capistrano
Classification: Uncertain significance. Last evaluated: 2024-12-26. Review status: criteria provided, single submitter. Criteria: Quest Diagnostics criteria. Collection method: clinical testing. Allele origin: unknown.
Comment: The SDHA c.1696C>G (p.Leu566Val) variant has been observed in the published literature in reportedly healthy individuals (PMID: 28546994 (2017), 38473309 (2024)). The frequency of this variant in the general population (Genome Aggregation Database) is uninformative in the assessment of its pathogenicity. Analysis of this variant using bioinformatics tools for the prediction of the effect of amino acid changes on protein structure and function yielded conflicting predictions that this variant is benign or damaging. Based on the available information, we are unable to determine the clinical significance of this variant.

Ambry Genetics
Classification: Uncertain significance for Hereditary cancer-predisposing syndrome. Last evaluated: 2024-05-28. Review status: criteria provided, single submitter. Criteria: Ambry Variant Classification Scheme 2023. Collection method: clinical testing. Allele origin: germline.
Comment: The p.L566V variant (also known as c.1696C>G), located in coding exon 13 of the SDHA gene, results from a C to G substitution at nucleotide position 1696. The leucine at codon 566 is replaced by valine, an amino acid with highly similar properties. This amino acid position is highly conserved in available vertebrate species. In addition, the in silico prediction for this alteration is inconclusive. Based on the available evidence, the clinical significance of this variant remains unclear.

Baylor Genetics
Classification: Uncertain significance for Dilated cardiomyopathy 1GG. Last evaluated: 2024-03-26. Review status: criteria provided, single submitter. Criteria: ACMG Guidelines, 2015. Collection method: clinical testing. Allele origin: unknown.

Fulgent Genetics
Classification: Uncertain significance for Mitochondrial complex II deficiency, nuclear type 1; Dilated cardiomyopathy 1GG; Pheochromocytoma/paraganglioma syndrome 5; Neurodegeneration with ataxia and late-onset optic atrophy. Last evaluated: 2024-02-21. Review status: criteria provided, single submitter. Criteria: ACMG Guidelines, 2015. Collection method: clinical testing. Allele origin: germline.

Literature cited by the submitters: PubMed 38473309 (cited by Quest Diagnostics Nichols Institute San Juan Capistrano); PubMed 28546994 (cited by Quest Diagnostics Nichols Institute San Juan Capistrano).